The following is an entry in ClinVar:

NM_020247.5(COQ8A):c.1450T>A (p.Phe484Ile)

Gene: COQ8A (coenzyme Q8A; plus strand). Cytogenetic location: 1q42.13.
Variant type: single nucleotide variant.
Coding change: c.1450T>A on transcript NM_020247.5 (MANE Select); coding-DNA position 1450, T replaced by A.
Protein change: p.Phe484Ile; replaces phenylalanine 484 with isoleucine.
Molecular consequence: missense variant.
Genome position (GRCh38, 1-based): chr1:226,984,599, T>A. VCF-style: chr1-226984599-T-A. GRCh37 (hg19) VCF-style: chr1-227172300-T-A.
Other names: short protein forms F484I.
Identifiers: ClinVar variation 874683 (VCV000874683.6), dbSNP rs778967806, ClinGen allele CA1425497.
Genomic context (GRCh38, chr1:226,984,599, plus strand): 5'-TGTCCACAGATCTGCTACAACATCCTGGTTCTGTGCCTGAGGGAGCTGTTCGAGTTCCAC[T>A]TCATGCAAACAGACCCCAACTGGTCCAACTTCTTCTATGACCCCCAGCAGCACAAGGTGA-3'
Protein context (NP_064632.2, residues 474-494): LCLRELFEFH[Phe484Ile]MQTDPNWSNF

ClinVar aggregate classification (germline): Uncertain significance. Review status: criteria provided, multiple submitters, no conflicts (2 of 4 stars). 2 submissions from 2 submitters: Uncertain significance (2). Last evaluated 2022-07-17.

Conditions:
Autosomal recessive ataxia due to ubiquinone deficiency. Also called: SPINOCEREBELLAR ATAXIA, AUTOSOMAL RECESSIVE 9; Coenzyme Q10 deficiency, primary, 4. Identifiers: Orphanet 139485, MedGen C2677589, MONDO:0012784, OMIM 612016.

Allele frequency attached by ClinVar (database versions not stated): ExAC 0.00001; gnomAD exomes 0.00002; gnomAD 0.00003.
gnomAD v4.1: 28 of 1,614,048 alleles (0.0017%); highest among the groups gnomAD compares: Non-Finnish European, 0.0023%; no homozygotes.

Submissions (2):

Labcorp Genetics (formerly Invitae), Labcorp
Classification: Uncertain significance. Last evaluated: 2022-07-17. Review status: criteria provided, single submitter. Criteria: Invitae Variant Classification Sherloc (09022015). Collection method: clinical testing. Allele origin: germline.
Comment: Advanced modeling of protein sequence and biophysical properties (such as structural, functional, and spatial information, amino acid conservation, physicochemical variation, residue mobility, and thermodynamic stability) performed at Invitae indicates that this missense variant is not expected to disrupt COQ8A protein function. ClinVar contains an entry for this variant (Variation ID: 874683). This variant has not been reported in the literature in individuals affected with COQ8A-related conditions. This variant is present in population databases (rs778967806, gnomAD 0.004%). This sequence change replaces phenylalanine, which is neutral and non-polar, with isoleucine, which is neutral and non-polar, at codon 484 of the COQ8A protein (p.Phe484Ile). In summary, the available evidence is currently insufficient to determine the role of this variant in disease. Therefore, it has been classified as a Variant of Uncertain Significance.

Illumina Laboratory Services, Illumina
Classification: Uncertain significance for Autosomal recessive ataxia due to ubiquinone deficiency. Last evaluated: 2018-01-12. Review status: criteria provided, single submitter. Criteria: ICSL Variant Classification Criteria 13 December 2019. Collection method: clinical testing. Allele origin: germline.